The following is an entry in ClinVar:

NM_001083614.2(EARS2):c.197A>T (p.Lys66Met)

Gene: EARS2 (glutamyl-tRNA synthetase 2, mitochondrial; minus strand). Cytogenetic location: 16p12.2.
Variant type: single nucleotide variant.
Coding change: c.197A>T on transcript NM_001083614.2 (MANE Select); coding-DNA position 197, A replaced by T.
Protein change: p.Lys66Met; replaces lysine 66 with methionine.
Molecular consequence: missense variant. On other transcripts: non-coding transcript variant (1).
Genome position (GRCh38, 1-based): chr16:23,552,247, T>A on the plus strand (A>T on the coding strand, the complement: EARS2 is on the minus strand). VCF-style: chr16-23552247-T-A. GRCh37 (hg19) VCF-style: chr16-23563568-T-A.
Other names: c.197A>T, p.Lys66Met (NM_001308211.1); short protein forms K66M.
Identifiers: ClinVar variation 887095 (VCV000887095.7), dbSNP rs779972107, ClinGen allele CA7962677.

ClinVar aggregate classification (germline): Uncertain significance. Review status: criteria provided, multiple submitters, no conflicts (2 of 4 stars). 2 submissions from 2 submitters: Uncertain significance (2). Last evaluated 2020-10-07.

Conditions:
Leukoencephalopathy-thalamus and brainstem anomalies-high lactate syndrome. Also called: LEUKOENCEPHALOPATHY WITH THALAMUS AND BRAINSTEM INVOLVEMENT AND HIGH LACTATE; Combined oxidative phosphorylation deficiency 12. Identifiers: Orphanet 314051, MedGen C4706421, MONDO:0013971, OMIM 614924.

Allele frequency attached by ClinVar (database versions not stated): TOPMed below 0.00001; ExAC 0.00001; gnomAD exomes 0.00001.
gnomAD v4.1: 27 of 1,614,198 alleles (0.0017%); highest among the groups gnomAD compares: Non-Finnish European, 0.0022%; no homozygotes.

Submissions (2):

GeneDx
Classification: Uncertain significance. Last evaluated: 2020-10-07. Review status: criteria provided, single submitter. Criteria: GeneDx Variant Classification Process June 2021. Collection method: clinical testing. Allele origin: germline. Affected: yes.
Comment: Not observed at a significant frequency in large population cohorts (Lek et al., 2016); The majority of missense variants in this gene are considered pathogenic (Stenson et al., 2014); In silico analysis, which includes protein predictors and evolutionary conservation, supports that this variant does not alter protein structure/function; Has not been previously published as pathogenic or benign to our knowledge

Illumina Laboratory Services, Illumina
Classification: Uncertain significance for Leukoencephalopathy-thalamus and brainstem anomalies-high lactate syndrome. Last evaluated: 2018-01-12. Review status: criteria provided, single submitter. Criteria: ICSL Variant Classification Criteria 13 December 2019. Collection method: clinical testing. Allele origin: germline.